The following is an entry in ClinVar:

ClinVar aggregate classification (germline): Pathogenic. Review status: reviewed by expert panel (3 of 4 stars). 4 submissions from 4 submitters: Pathogenic (1). 3 of the submissions do not count toward it. Last evaluated 2024-08-22.

Conditions:
Marfan syndrome (MFS). Also called: Marfan syndrome type 1; Marfan syndrome, classic; Marfan's syndrome; FBN1-Related Marfan Syndrome; MARFAN SYNDROME, TYPE I. Identifiers: Orphanet 284963, Orphanet 558, MedGen C0024796, MONDO:0007947, OMIM 154700.
Familial thoracic aortic aneurysm and aortic dissection (TAAD). Also called: Thoracic aortic aneurysms and dissections. Identifiers: Orphanet 91387, MedGen C4707243, MONDO:0019625.

Submissions (4):

ClinGen FBN1 Variant Curation Expert Panel, ClinGen
Classification: Pathogenic for Marfan syndrome. Last evaluated: 2024-08-22. Review status: reviewed by expert panel. Criteria: Assertion Criteria VCEP FBN1 Version 1. Collection method: curation. Allele origin: germline. Inheritance: Autosomal dominant inheritance.
Comment: NM_000138.5 c.6419G>A is a missense variant in FBN1 predicted to cause a substitution of a cysteine by tyrosine at amino acid 2164 (p.Cys2164Tyr). This variant has been identified in at least four individuals meeting clinical diagnostic criteria for Marfan syndrome (MFS) and two individuals with non-specific features suggestive of a connective tissue disorder (PS4, PP4; Bichat & UZG internal data; PMIDs: 31730815, 37558401, 29095814). In one of these individuals, it was found to be de novo; however, phenotype details were not provided and therefore the specificity and consistency of the phenotype with FBN1 cannot be assessed (PMID: 29095814). In another of these families, the variant was found to segregate with disease in two affected family members (PP1; Bichat internal data). It is absent from gnomAD (PM2_supporting;, v2.1.1, 3.1.2, 4.0.0). This variant affects a cysteine residue in a calcium-binding EGF-like domain; cysteine residues are involved in the formation of disulfide bridges which are essential for the protein structure (PM1_strong). Computational prediction tools and conservation analysis support that this variant is likely to impact the protein (PP3; REVEL = 0.863). The constraint z-score for missense variants affecting FBN1 is 8.18 (PP2; gnomAD v4.0.0). In summary, this variant meets criteria to be classified as pathogenic for Marfan syndrome based on the ACMG/AMP criteria applied, as specified by the ClinGen FBN1 VCEP: PM1_strong, PS4, PP1, PP2, PP3, PP4, PM2_supporting.

Labcorp Genetics (formerly Invitae), Labcorp
Classification: Pathogenic for Marfan syndrome; Familial thoracic aortic aneurysm and aortic dissection. Last evaluated: 2024-09-19. Review status: criteria provided, single submitter. Criteria: Invitae Variant Classification Sherloc (09022015). Collection method: clinical testing. Allele origin: germline. Not counted in ClinVar's aggregate classification.
Comment: This sequence change replaces cysteine, which is neutral and slightly polar, with tyrosine, which is neutral and polar, at codon 2164 of the FBN1 protein (p.Cys2164Tyr). This variant is not present in population databases (gnomAD no frequency). This missense change has been observed in individuals with clinical features of Marfan syndrome (PMID: 27906200; internal data). ClinVar contains an entry for this variant (Variation ID: 547340). Invitae Evidence Modeling of protein sequence and biophysical properties (such as structural, functional, and spatial information, amino acid conservation, physicochemical variation, residue mobility, and thermodynamic stability) indicates that this missense variant is expected to disrupt FBN1 protein function with a positive predictive value of 95%. This variant affects a cysteine residue in the EGF-like, TGFBP or hybrid motif domains of FBN1. Cysteine residues are believed to be involved in intramolecular disulfide bridges and have been shown to be important for FBN1 protein structure (PMID: 16905551, 19349279). In addition, missense substitutions affecting cysteine residues within these domains are significantly overrepresented among patients with Marfan syndrome (PMID: 16571647, 17701892). For these reasons, this variant has been classified as Pathogenic.

Center for Human Genetics, Inc
Classification: Uncertain significance for Marfan syndrome. Last evaluated: 2016-11-01. Review status: criteria provided, single submitter. Criteria: ACMG Guidelines, 2015. Collection method: clinical testing. Allele origin: germline. Affected: yes. Not counted in ClinVar's aggregate classification.

Center for Medical Genetics Ghent, University of Ghent
Classification: Likely pathogenic for Marfan syndrome. Last evaluated: 2017-11-07. Review status: no assertion criteria provided. Collection method: clinical testing. Allele origin: de novo. Affected: yes. Not counted in ClinVar's aggregate classification.

Literature cited by the submitters: PubMed 27906200 (cited by Labcorp Genetics (formerly Invitae), Labcorp); PubMed 16905551 (cited by Labcorp Genetics (formerly Invitae), Labcorp); PubMed 19349279 (cited by Labcorp Genetics (formerly Invitae), Labcorp); PubMed 16571647 (cited by Labcorp Genetics (formerly Invitae), Labcorp); PubMed 17701892 (cited by Labcorp Genetics (formerly Invitae), Labcorp).

NM_000138.5(FBN1):c.6491G>A (p.Cys2164Tyr)

Gene: FBN1 (fibrillin 1; minus strand). Cytogenetic location: 15q21.1.
Variant type: single nucleotide variant.
Coding change: c.6491G>A on transcript NM_000138.5 (MANE Select); coding-DNA position 6491, G replaced by A.
Protein change: p.Cys2164Tyr; replaces cysteine 2164 with tyrosine.
Molecular consequence: missense variant.
Genome position (GRCh38, 1-based): chr15:48,436,966, C>T on the plus strand (G>A on the coding strand, the complement: FBN1 is on the minus strand). VCF-style: chr15-48436966-C-T. GRCh37 (hg19) VCF-style: chr15-48729163-C-T.
Other names: NM_000138.5(FBN1):c.6491G>A; p.Cys2164Tyr; short protein forms C2164Y.
Identifiers: ClinVar variation 547340 (VCV000547340.5), dbSNP rs1555395189, ClinGen allele CA392336264.